The following is an entry in ClinVar:

NM_152393.4(KLHL40):c.1595T>C (p.Ile532Thr)

Gene: KLHL40 (kelch like family member 40; plus strand). Cytogenetic location: 3p22.1.
Variant type: single nucleotide variant.
Coding change: c.1595T>C on transcript NM_152393.4 (MANE Select); coding-DNA position 1595, T replaced by C.
Protein change: p.Ile532Thr; replaces isoleucine 532 with threonine.
Molecular consequence: missense variant.
Genome position (GRCh38, 1-based): chr3:42,689,042, T>C. VCF-style: chr3-42689042-T-C. GRCh37 (hg19) VCF-style: chr3-42730534-T-C.
Other names: short protein forms I532T.
Identifiers: ClinVar variation 577617 (VCV000577617.7), dbSNP rs368161576, ClinGen allele CA2337013.

ClinVar aggregate classification (germline): Uncertain significance. Review status: criteria provided, multiple submitters, no conflicts (2 of 4 stars). 3 submissions from 3 submitters: Uncertain significance (2). 1 of the submissions does not count toward it. Last evaluated 2024-08-20.

Conditions:
Nemaline myopathy 8 (NEM8). Also called: Nemaline myopathy 8, autosomal recessive. Identifiers: Orphanet 171430, MedGen C3809209, MONDO:0014138, OMIM 615348.
KLHL40-related disorder. Also called: KLHL40-related condition.

Allele frequency attached by ClinVar (database versions not stated): ExAC 0.00003; gnomAD 0.00005; ESP Exome Variant Server 0.00015; gnomAD exomes 0.00004 and 0.00003; TOPMed 0.00004.
gnomAD v4.1: 52 of 1,611,700 alleles (0.0032%); highest among the groups gnomAD compares: Non-Finnish European, 0.0043%; no homozygotes.

Submissions (3):

Revvity Omics, Revvity
Classification: Uncertain significance for Nemaline myopathy 8. Last evaluated: 2024-08-20. Review status: criteria provided, single submitter. Criteria: ACMG Guidelines, 2015. Collection method: clinical testing. Allele origin: germline.

Labcorp Genetics (formerly Invitae), Labcorp
Classification: Uncertain significance for Nemaline myopathy 8. Last evaluated: 2021-09-02. Review status: criteria provided, single submitter. Criteria: Invitae Variant Classification Sherloc (09022015). Collection method: clinical testing. Allele origin: germline.
Comment: This sequence change replaces isoleucine with threonine at codon 532 of the KLHL40 protein (p.Ile532Thr). The isoleucine residue is moderately conserved and there is a moderate physicochemical difference between isoleucine and threonine. This variant is present in population databases (rs368161576, ExAC 0.005%). This variant has not been reported in the literature in individuals affected with KLHL40-related conditions. Algorithms developed to predict the effect of missense changes on protein structure and function are either unavailable or do not agree on the potential impact of this missense change (SIFT: "Deleterious"; PolyPhen-2: "Benign"; Align-GVGD: "Class C0"). In summary, the available evidence is currently insufficient to determine the role of this variant in disease. Therefore, it has been classified as a Variant of Uncertain Significance.

PreventionGenetics, part of Exact Sciences
Classification: Uncertain significance for KLHL40-related condition. Last evaluated: 2024-02-08. Review status: no assertion criteria provided. Collection method: clinical testing. Allele origin: germline. Not counted in ClinVar's aggregate classification.
Comment: The KLHL40 c.1595T>C variant is predicted to result in the amino acid substitution p.Ile532Thr. To our knowledge, this variant has not been reported in the literature. This variant is reported in 0.0086% of alleles in individuals of European (non-Finnish) descent in gnomAD. At this time, the clinical significance of this variant is uncertain due to the absence of conclusive functional and genetic evidence.